The following is an entry in ClinVar:

ClinVar aggregate classification (germline): Uncertain significance (1 of 4 stars; one submission).

Submission:

Labcorp Genetics (formerly Invitae), Labcorp
Classification: Uncertain significance. Last evaluated: 2022-09-07. Review status: criteria provided, single submitter. Criteria: Invitae Variant Classification Sherloc (09022015). Collection method: clinical testing. Allele origin: germline.
Comment: This variant is not present in population databases (gnomAD no frequency). In summary, the available evidence is currently insufficient to determine the role of this variant in disease. Therefore, it has been classified as a Variant of Uncertain Significance. Algorithms developed to predict the effect of missense changes on protein structure and function are either unavailable or do not agree on the potential impact of this missense change (SIFT: "Deleterious"; PolyPhen-2: "Possibly Damaging"; Align-GVGD: "Class C15"). This variant has not been reported in the literature in individuals affected with EEF2-related conditions. This sequence change replaces glycine, which is neutral and non-polar, with arginine, which is basic and polar, at codon 282 of the EEF2 protein (p.Gly282Arg).

NM_001961.4(EEF2):c.844G>A (p.Gly282Arg)

Gene: EEF2 (eukaryotic translation elongation factor 2; minus strand). Cytogenetic location: 19p13.3.
Variant type: single nucleotide variant.
Coding change: c.844G>A on transcript NM_001961.4 (MANE Select); coding-DNA position 844, G replaced by A.
Protein change: p.Gly282Arg; replaces glycine 282 with arginine.
Molecular consequence: missense variant.
Genome position (GRCh38, 1-based): chr19:3,982,000, C>T on the plus strand (G>A on the coding strand, the complement: EEF2 is on the minus strand). VCF-style: chr19-3982000-C-T. GRCh37 (hg19) VCF-style: chr19-3981998-C-T.
Other names: short protein forms G282R.
Identifiers: ClinVar variation 1970174 (VCV001970174.5), dbSNP rs2512204744, ClinGen allele CA403393977.